The following is an entry in ClinVar:

ClinVar aggregate classification (germline): Uncertain significance. Review status: criteria provided, multiple submitters, no conflicts (2 of 4 stars). 3 submissions from 3 submitters: Uncertain significance (3). Last evaluated 2024-10-02.

Allele frequency attached by ClinVar (database versions not stated): gnomAD 0.00012 and 0.00013; gnomAD exomes 0.00012 and 0.00017; TOPMed 0.00012; ExAC 0.00014; ESP Exome Variant Server 0.00016.
gnomAD v4.1: 195 of 1,613,648 alleles (0.012%); highest among the groups gnomAD compares: Admixed American, 0.022%; 1 homozygote.

Submissions (3):

Blueprint Genetics
Classification: Uncertain significance. Last evaluated: 2024-10-02. Review status: criteria provided, single submitter. Criteria: ACMG Guidelines, 2015. Collection method: clinical testing. Allele origin: germline.

Labcorp Genetics (formerly Invitae), Labcorp
Classification: Uncertain significance. Last evaluated: 2022-07-18. Review status: criteria provided, single submitter. Criteria: Invitae Variant Classification Sherloc (09022015). Collection method: clinical testing. Allele origin: germline.
Comment: This sequence change replaces proline, which is neutral and non-polar, with leucine, which is neutral and non-polar, at codon 38 of the GRXCR1 protein (p.Pro38Leu). This variant is present in population databases (rs367784906, gnomAD 0.03%). This missense change has been observed in individual(s) with GRXCR1-related conditions (PMID: 20137774). ClinVar contains an entry for this variant (Variation ID: 498748). Algorithms developed to predict the effect of missense changes on protein structure and function (SIFT, PolyPhen-2, Align-GVGD) all suggest that this variant is likely to be tolerated. In summary, the available evidence is currently insufficient to determine the role of this variant in disease. Therefore, it has been classified as a Variant of Uncertain Significance.

Eurofins Ntd Llc (ga)
Classification: Uncertain significance. Last evaluated: 2016-12-08. Review status: criteria provided, single submitter. Criteria: EGL Classification Definitions 2015. Collection method: clinical testing. Allele origin: germline. Observed: 1 variant allele, 1 heterozygote.

Literature cited by the submitters: PubMed 20137774 (cited by Labcorp Genetics (formerly Invitae), Labcorp and Eurofins Ntd Llc (ga)).

NM_001080476.3(GRXCR1):c.113C>T (p.Pro38Leu)

Gene: GRXCR1 (glutaredoxin and cysteine rich domain containing 1; plus strand). Cytogenetic location: 4p13.
Variant type: single nucleotide variant.
Coding change: c.113C>T on transcript NM_001080476.3 (MANE Select); coding-DNA position 113, C replaced by T.
Protein change: p.Pro38Leu; replaces proline 38 with leucine.
Molecular consequence: missense variant.
Genome position (GRCh38, 1-based): chr4:42,893,379, C>T. VCF-style: chr4-42893379-C-T. GRCh37 (hg19) VCF-style: chr4-42895396-C-T.
Other names: short protein forms P38L.
Identifiers: ClinVar variation 498748 (VCV000498748.7), dbSNP rs367784906, ClinGen allele CA2904321.
Genomic context (GRCh38, chr4:42,893,379, plus strand): 5'-TTCGGATCGCGTCCTCTCACAGTGGGCGAGTTCTGAAGGAAGTGTATGAAGATGGGCAAC[C>T]GTCAGGCTCTCTGGATTCTGAATGTGCCAGTATCTGTGGGATAGATGGACTAGGTGATTC-3'
Protein context (NP_001073945.1, residues 28-48): VLKEVYEDGQ[Pro38Leu]SGSLDSECAS